The following is an entry in ClinVar:

NM_138694.4(PKHD1):c.779-13_779-12dup

Gene: PKHD1 (PKHD1 ciliary IPT domain containing fibrocystin/polyductin; minus strand). Cytogenetic location: 6p12.2.
Variant type: Duplication.
Coding change: c.779-13_779-12dup on transcript NM_138694.4 (MANE Select); 13 bases into the intron before coding-DNA position 779 through 12 bases into the intron before coding-DNA position 779, 2 bases duplicated (TT; older notation c.779-13_779-12dupTT).
Molecular consequence: intron variant.
Genome position (GRCh38, 1-based): chr6:52,066,089-52,066,090, AA duplicated on the plus strand (TT on the coding strand, the reverse complement: PKHD1 is on the minus strand); duplicating any 2 consecutive bases within chr6:52,066,089-52,066,102 gives the same sequence; the c. name uses the placement nearest the transcript's 3' end. VCF-style (leftmost placement, unchanged base first): chr6-52066088-T-TAA. GRCh37 (hg19) VCF-style: chr6-51930886-T-TAA.
Other names: p.?; c.779-13_779-12dup (NM_170724.3).
Identifiers: ClinVar variation 4683196 (VCV004683196.2).

ClinVar aggregate classification (germline): Likely benign. Review status: criteria provided, multiple submitters, no conflicts (2 of 4 stars). 2 submissions from 2 submitters: Likely benign (2). Last evaluated 2025-06-03.

Submissions (2):

Mayo Clinic Laboratories, Mayo Clinic
Classification: Likely benign. Last evaluated: 2025-06-03. Review status: criteria provided, single submitter. Criteria: ACMG Guidelines, 2015. Collection method: clinical testing. Allele origin: germline. Observed: 14 variant alleles.
Comment: BS1, BP4, BP7

Blueprint Genetics
Classification: Likely benign. Last evaluated: 2024-11-25. Review status: criteria provided, single submitter. Criteria: ACMG Guidelines, 2015. Collection method: clinical testing. Allele origin: germline.